The following is an entry in ClinVar:

ClinVar aggregate classification (germline): Uncertain significance. Review status: criteria provided, multiple submitters, no conflicts (2 of 4 stars). 3 submissions from 3 submitters: Uncertain significance (3). Last evaluated 2020-08-01.

Conditions:
Microcephaly 7, primary, autosomal recessive. Identifiers: Orphanet 2512, MedGen C2675187, MONDO:0012989, OMIM 612703.

Allele frequency attached by ClinVar (database versions not stated): ExAC 0.00001; gnomAD exomes 0.00001 and 0.00002; TOPMed 0.00006; ESP Exome Variant Server 0.00008; gnomAD 0.00003 and 0.00004.
gnomAD v4.1: 13 of 1,611,144 alleles (0.00081%); highest among the groups gnomAD compares: Middle Eastern, 0.016%; no homozygotes.

Submissions (3):

Baylor Genetics
Classification: Uncertain significance for Microcephaly 7, primary, autosomal recessive. Last evaluated: 2020-08-01. Review status: criteria provided, single submitter. Criteria: ACMG Guidelines, 2015. Collection method: clinical testing. Allele origin: unknown. Affected: yes.
Comment: This variant was determined to be of uncertain significance according to ACMG Guidelines, 2015 [PMID:25741868].

Illumina Laboratory Services, Illumina
Classification: Uncertain significance for Microcephaly 7, primary, autosomal recessive. Last evaluated: 2017-04-27. Review status: criteria provided, single submitter. Criteria: ICSL Variant Classification Criteria 13 December 2019. Collection method: clinical testing. Allele origin: germline.
Comment: This variant was observed as part of a predisposition screen in an ostensibly healthy population. A literature search was performed for the gene, cDNA change, and amino acid change (where applicable). Publications were found based on this search. However, the evidence from the literature, in combination with allele frequency data from public databases where available, was not sufficient to rule this variant in or out of causing disease. Therefore, this variant is classified as a variant of unknown significance.

Genetic Services Laboratory, University of Chicago
Classification: Uncertain significance. Last evaluated: 2015-10-05. Review status: criteria provided, single submitter. Criteria: ACMG Guidelines, 2015. Collection method: clinical testing. Allele origin: germline. Affected: no.

Literature cited by the submitters: PubMed 23772360 (cited by Illumina Laboratory Services, Illumina).

NM_001048166.1(STIL):c.3754A>G (p.Ile1252Val)

Gene: STIL (STIL centriolar assembly protein; minus strand). Cytogenetic location: 1p33.
Variant type: single nucleotide variant.
Coding change: c.3754A>G on transcript NM_001048166.1 (MANE Select); coding-DNA position 3754, A replaced by G.
Protein change: p.Ile1252Val; replaces isoleucine 1252 with valine.
Molecular consequence: missense variant.
Genome position (GRCh38, 1-based): chr1:47,251,249, T>C on the plus strand (A>G on the coding strand, the complement: STIL is on the minus strand). VCF-style: chr1-47251249-T-C. GRCh37 (hg19) VCF-style: chr1-47716921-T-C.
Other names: c.3751A>G, p.Ile1251Val (NM_001282936.1, NM_003035.2); c.3700A>G, p.Ile1234Val (NM_001282937.1); c.3613A>G, p.Ile1205Val (NM_001282938.1); c.3559A>G, p.Ile1187Val (NM_001282939.1); short protein forms I1251V, I1252V, I1205V, I1234V, I1187V.
Identifiers: ClinVar variation 436885 (VCV000436885.10), dbSNP rs142210835, ClinGen allele CA841926.